The following is an entry in ClinVar:

NM_013276.4(SHPK):c.588C>A (p.Asp196Glu)

Gene: SHPK (sedoheptulokinase; minus strand). Cytogenetic location: 17p13.2.
Variant type: single nucleotide variant.
Coding change: c.588C>A on transcript NM_013276.4 (MANE Select); coding-DNA position 588, C replaced by A.
Protein change: p.Asp196Glu; replaces aspartic acid 196 with glutamic acid.
Molecular consequence: missense variant.
Genome position (GRCh38, 1-based): chr17:3,623,398, G>T on the plus strand (C>A on the coding strand, the complement: SHPK is on the minus strand). VCF-style: chr17-3623398-G-T. GRCh37 (hg19) VCF-style: chr17-3526692-G-T.
Other names: short protein forms D196E.
Identifiers: ClinVar variation 1356547 (VCV001356547.8), dbSNP rs1313191404, ClinGen allele CA397701283.

ClinVar aggregate classification (germline): Uncertain significance (1 of 4 stars; one submission).

Allele frequency attached by ClinVar (database versions not stated): gnomAD exomes below 0.00001; TOPMed 0.00001; gnomAD 0.00003.
gnomAD v4.1: 9 of 1,614,068 alleles (0.00056%); highest among the groups gnomAD compares: Non-Finnish European, 0.00076%; no homozygotes.

Submission:

Labcorp Genetics (formerly Invitae), Labcorp
Classification: Uncertain significance. Last evaluated: 2023-07-10. Review status: criteria provided, single submitter. Criteria: Invitae Variant Classification Sherloc (09022015). Collection method: clinical testing. Allele origin: germline.
Comment: This variant is present in population databases (no rsID available, gnomAD 0.002%). In summary, the available evidence is currently insufficient to determine the role of this variant in disease. Therefore, it has been classified as a Variant of Uncertain Significance. An algorithm developed to predict the effect of missense changes on protein structure and function (PolyPhen-2) suggests that this variant is likely to be tolerated. ClinVar contains an entry for this variant (Variation ID: 1356547). This variant has not been reported in the literature in individuals affected with SHPK-related conditions. This sequence change replaces aspartic acid, which is acidic and polar, with glutamic acid, which is acidic and polar, at codon 196 of the SHPK protein (p.Asp196Glu).